The following is an entry in ClinVar:

ClinVar aggregate classification (germline): Uncertain significance (1 of 4 stars; one submission).

Conditions:
Tuberous sclerosis 1 (TSC1). Identifiers: Orphanet 805, MedGen C1854465, MONDO:0008612, OMIM 191100.

Submission:

Labcorp Genetics (formerly Invitae), Labcorp
Classification: Uncertain significance for Tuberous sclerosis 1. Last evaluated: 2020-04-24. Review status: criteria provided, single submitter. Criteria: Invitae Variant Classification Sherloc (09022015). Collection method: clinical testing. Allele origin: germline.
Comment: This variant has not been reported in the literature in individuals with a TSC1-related disease. This variant is a gross duplication of the genomic region encompassing exons 3-6 of the TSC1 gene which contains the initiation codon. The 5' end of this event is unknown as it extends beyond the assayed region for this gene and therefore may encompass additional genes. The 3' boundary is likely confined to intron 6 of the TSC1 gene. The exact location of this variant in the genome is unknown. Experimental studies and prediction algorithms are not available for this variant, and the functional significance of this duplication is currently unknown. In summary, the available evidence is currently insufficient to determine the role of this variant in disease. Therefore, it has been classified as a Variant of Uncertain Significance.

NC_000009.11:g.(?_135798715)_(135804279_?)dup

Gene: TSC1 (TSC complex subunit 1; minus strand). Cytogenetic location: 9q34.13.
Variant type: Duplication.
Identifiers: ClinVar variation 534521 (VCV000534521.7).